The following is an entry in ClinVar:

NM_002519.3(NPAT):c.1784G>T (p.Cys595Phe)

Gene: NPAT (nuclear protein, coactivator of histone transcription; minus strand). Cytogenetic location: 11q22.3.
Variant type: single nucleotide variant.
Coding change: c.1784G>T on transcript NM_002519.3 (MANE Select); coding-DNA position 1784, G replaced by T.
Protein change: p.Cys595Phe; replaces cysteine 595 with phenylalanine.
Molecular consequence: missense variant.
Genome position (GRCh38, 1-based): chr11:108,173,200, C>A on the plus strand (G>T on the coding strand, the complement: NPAT is on the minus strand). VCF-style: chr11-108173200-C-A. GRCh37 (hg19) VCF-style: chr11-108043927-C-A.
Other names: c.1784G>T, p.Cys595Phe (NM_001321307.1); short protein forms C595F.
Identifiers: ClinVar variation 3222489 (VCV003222489.1), dbSNP rs2077971439, ClinGen allele CA382514360.

ClinVar aggregate classification (germline): Uncertain significance (1 of 4 stars; one submission).

Submission:

Ambry Genetics
Classification: Uncertain significance. Last evaluated: 2024-03-09. Review status: criteria provided, single submitter. Criteria: Ambry Variant Classification Scheme 2023. Collection method: clinical testing. Allele origin: germline.
Comment: The p.C595F variant (also known as c.1784G>T), located in coding exon 13 of the NPAT gene, results from a G to T substitution at nucleotide position 1784. The cysteine at codon 595 is replaced by phenylalanine, an amino acid with highly dissimilar properties. This amino acid position is conserved. In addition, this alteration is predicted to be tolerated by in silico analysis. Based on the available evidence, the clinical significance of this alteration remains unclear.